The following is an entry in ClinVar:

NM_003072.5(SMARCA4):c.3985C>T (p.Arg1329Cys)

Gene: SMARCA4 (SWI/SNF related BAF chromatin remodeling complex subunit ATPase 4; plus strand). Cytogenetic location: 19p13.2.
Variant type: single nucleotide variant.
Coding change: c.3985C>T on transcript NM_003072.5 (MANE Select); coding-DNA position 3985, C replaced by T.
Protein change: p.Arg1329Cys; replaces arginine 1329 with cysteine.
Molecular consequence: missense variant. On other transcripts: non-coding transcript variant (1).
Genome position (GRCh38, 1-based): chr19:11,034,947, C>T. VCF-style: chr19-11034947-C-T. GRCh37 (hg19) VCF-style: chr19-11145623-C-T.
Other names: c.3985C>T, p.Arg1329Cys (NM_001128844.3, NM_001128849.3, NM_001387283.1); c.3886C>T, p.Arg1296Cys (NM_001128845.2, NM_001128846.2, NM_001128847.4 and 2 more transcripts); short protein forms R1329C, R1296C.
Identifiers: ClinVar variation 238445 (VCV000238445.19), dbSNP rs878854219, ClinGen allele CA10583749.

ClinVar aggregate classification (germline): Uncertain significance. Review status: criteria provided, multiple submitters, no conflicts (2 of 4 stars). 3 submissions from 3 submitters: Uncertain significance (3). Last evaluated 2025-12-14.

Conditions:
Hereditary cancer-predisposing syndrome. Also called: Neoplastic Syndromes, Hereditary; Hereditary neoplastic syndrome; Tumor predisposition; Hereditary Cancer Syndrome. Identifiers: Orphanet 140162, MedGen C0027672, MeSH D009386, MONDO:0015356.
Intellectual disability, autosomal dominant 16 (CSS4). Also called: COFFIN-SIRIS SYNDROME 4. Identifiers: Orphanet 1465, MedGen C3553249, MONDO:0013821, OMIM 614609.
Rhabdoid tumor predisposition syndrome 2 (RTPS2). Identifiers: Orphanet 231108, Orphanet 69077, MedGen C2750074, MONDO:0013224, OMIM 613325.

Allele frequency attached by ClinVar (database versions not stated): gnomAD exomes below 0.00001.
gnomAD v4.1: 2 of 1,587,918 alleles (0.00013%); highest among the groups gnomAD compares: East Asian, 0.0023%; no homozygotes.

Submissions (3):

Labcorp Genetics (formerly Invitae), Labcorp
Classification: Uncertain significance for Rhabdoid tumor predisposition syndrome 2. Last evaluated: 2025-12-14. Review status: criteria provided, single submitter. Criteria: Invitae Variant Classification Sherloc (09022015). Collection method: clinical testing. Allele origin: germline.
Comment: This sequence change replaces arginine, which is basic and polar, with cysteine, which is neutral and slightly polar, at codon 1329 of the SMARCA4 protein (p.Arg1329Cys). The frequency data for this variant in the population databases is considered unreliable, as metrics indicate poor data quality at this position in the gnomAD database. This variant has not been reported in the literature in individuals affected with SMARCA4-related conditions. ClinVar contains an entry for this variant (Variation ID: 238445). Invitae Evidence Modeling of protein sequence and biophysical properties (such as structural, functional, and spatial information, amino acid conservation, physicochemical variation, residue mobility, and thermodynamic stability) indicates that this missense variant is expected to disrupt SMARCA4 protein function with a positive predictive value of 95%. In summary, the available evidence is currently insufficient to determine the role of this variant in disease. Therefore, it has been classified as a Variant of Uncertain Significance.

Ambry Genetics
Classification: Uncertain significance for Hereditary cancer-predisposing syndrome. Last evaluated: 2025-06-02. Review status: criteria provided, single submitter. Criteria: Ambry Variant Classification Scheme 2023. Collection method: clinical testing. Allele origin: germline.
Comment: The p.R1329C variant (also known as c.3985C>T), located in coding exon 28 of the SMARCA4 gene, results from a C to T substitution at nucleotide position 3985. The arginine at codon 1329 is replaced by cysteine, an amino acid with highly dissimilar properties. This amino acid position is highly conserved in available vertebrate species. In addition, the in silico prediction for this alteration is inconclusive. Based on the available evidence, the clinical significance of this variant remains unclear.

Genome-Nilou Lab
Classification: Uncertain significance for Intellectual disability, autosomal dominant 16. Last evaluated: 2021-07-15. Review status: criteria provided, single submitter. Criteria: ACMG Guidelines, 2015. Collection method: clinical testing. Allele origin: germline. Affected: no.